The following is an entry in ClinVar:

ClinVar aggregate classification (germline): Uncertain significance. Review status: criteria provided, multiple submitters, no conflicts (2 of 4 stars). 3 submissions from 3 submitters: Uncertain significance (3). Last evaluated 2025-10-23.

Conditions:
Hypertrophic cardiomyopathy 9. Also called: Familial hypertrophic cardiomyopathy 9. Identifiers: MedGen C1861065, MONDO:0013412, OMIM 613765.
Dilated cardiomyopathy 1G (CMD1G). Identifiers: Orphanet 154, MedGen C1858763, MONDO:0011400, OMIM 604145.
Early-onset myopathy with fatal cardiomyopathy (CMYO5). Also called: CONGENITAL MYOPATHY 5 WITH CARDIOMYOPATHY; Salih Myopathy. Identifiers: Orphanet 289377, MedGen C2673677, MONDO:0012714, OMIM 611705. Disease mechanism: loss of function.
Autosomal recessive limb-girdle muscular dystrophy type 2J (LGMDR10). Also called: MUSCULAR DYSTROPHY, LIMB-GIRDLE, AUTOSOMAL RECESSIVE 10; Limb-girdle muscular dystrophy, type 2J. Identifiers: Orphanet 140922, MedGen C1837342, MONDO:0012127, OMIM 608807.

Allele frequency attached by ClinVar (database versions not stated): gnomAD exomes below 0.00001; gnomAD 0.00003 and 0.00004; TOPMed 0.00004.
gnomAD v4.1: 7 of 1,612,634 alleles (0.00043%); highest among the groups gnomAD compares: African/African-American, 0.008%; no homozygotes.

Submissions (3):

Mayo Clinic Laboratories, Mayo Clinic
Classification: Uncertain significance. Last evaluated: 2025-10-23. Review status: criteria provided, single submitter. Criteria: ACMG Guidelines, 2015. Collection method: clinical testing. Allele origin: germline. Observed: 1 variant allele.
Comment: BP4_moderate

New York Genome Center
Classification: Uncertain significance for Hypertrophic cardiomyopathy 9; Early-onset myopathy with fatal cardiomyopathy; Dilated cardiomyopathy 1G. Last evaluated: 2019-07-12. Review status: criteria provided, single submitter. Criteria: NYGC Assertion Criteria 2020. Collection method: clinical testing. Allele origin: germline. Observed: 1 heterozygote. Study: CSER-NYCKidSeq.

Labcorp Genetics (formerly Invitae), Labcorp
Classification: Uncertain significance for Dilated cardiomyopathy 1G; Autosomal recessive limb-girdle muscular dystrophy type 2J. Last evaluated: 2018-01-08. Review status: criteria provided, single submitter. Criteria: Invitae Variant Classification Sherloc (09022015). Collection method: clinical testing. Allele origin: germline.

NM_001267550.2(TTN):c.76661C>G (p.Ala25554Gly)

Genes: TTN (titin; minus strand), TTN-AS1 (TTN antisense RNA 1; plus strand). Cytogenetic location: 2q31.2.
Variant type: single nucleotide variant.
Coding change: c.76661C>G on transcript NM_001267550.2 (MANE Select); coding-DNA position 76661, C replaced by G.
Protein change: p.Ala25554Gly; replaces alanine 25554 with glycine.
Molecular consequence: missense variant.
Genome position (GRCh38, 1-based): chr2:178,569,471, G>C on the plus strand (C>G on the coding strand, the complement: TTN is on the minus strand). VCF-style: chr2-178569471-G-C. GRCh37 (hg19) VCF-style: chr2-179434198-G-C.
Other names: p.Ala23913Gly; c.49466C>G, p.Ala16489Gly (NM_003319.4); c.68957C>G, p.Ala22986Gly (NM_133378.4); c.71738C>G, p.Ala23913Gly (NM_001256850.1); c.49841C>G, p.Ala16614Gly (NM_133432.3); c.50042C>G, p.Ala16681Gly (NM_133437.4); short protein forms A25554G, A23913G, A16489G, A16614G, A22986G, A16681G.
Identifiers: ClinVar variation 535375 (VCV000535375.6), dbSNP rs879087699, ClinGen allele CA60993723.